The following is an entry in ClinVar:

NM_021625.5(TRPV4):c.2248G>A (p.Val750Ile)

Gene: TRPV4 (transient receptor potential cation channel subfamily V member 4; minus strand). Cytogenetic location: 12q24.11.
Variant type: single nucleotide variant.
Coding change: c.2248G>A on transcript NM_021625.5 (MANE Select); coding-DNA position 2248, G replaced by A.
Protein change: p.Val750Ile; replaces valine 750 with isoleucine.
Molecular consequence: missense variant.
Genome position (GRCh38, 1-based): chr12:109,786,798, C>T on the plus strand (G>A on the coding strand, the complement: TRPV4 is on the minus strand). VCF-style: chr12-109786798-C-T. GRCh37 (hg19) VCF-style: chr12-110224603-C-T.
Other names: p.Val750Ile; c.1927G>A, p.Val643Ile (NM_001177433.2); c.2068G>A, p.Val690Ile (NM_147204.3); c.2107G>A, p.Val703Ile (NM_001177428.2); c.2146G>A, p.Val716Ile (NM_001177431.2); short protein forms V750I, V643I, V703I, V690I, V716I.
Identifiers: ClinVar variation 215919 (VCV000215919.62), dbSNP rs148171058, ClinGen allele CA336451.

ClinVar aggregate classification (germline): Benign/Likely benign. Review status: criteria provided, multiple submitters, no conflicts (2 of 4 stars). 21 submissions from 16 submitters: Benign (8); Likely benign (9). 4 of the submissions do not count toward it. Last evaluated 2026-03-01.

Conditions:
TRPV4-related disorder. Also called: TRPV4-related disorders; TRPV4-related condition.
Charcot-Marie-Tooth disease. Also called: Charcot-Marie-Tooth Hereditary Neuropathy; Charcot-Marie-Tooth Neuropathy. Identifiers: Orphanet 166, MedGen C0007959, MONDO:0015626.
Charcot-Marie-Tooth disease axonal type 2C (HMSN2C). Also called: CHARCOT-MARIE-TOOTH DISEASE, AXONAL, AUTOSOMAL DOMINANT, TYPE 2C; Charcot-Marie-Tooth Neuropathy Type 2C; Charcot-Marie-Tooth Disease Type 2, TRPV4-Related (CMT2C). Identifiers: Orphanet 99937, MedGen C1853710, MONDO:0011633, OMIM 606071.
Scapuloperoneal spinal muscular atrophy (SPSMA). Also called: Scapuloperoneal spinal muscular atrophy, autosomal dominant; Scapuloperoneal Form of Spinal Muscular Atrophy; AMYOTROPHY, NEUROGENIC SCAPULOPERONEAL, NEW ENGLAND TYPE; Scapuloperoneal Spinal Muscular Atrophy, TRPV4-Related. Identifiers: Orphanet 431255, MedGen C0751335, MONDO:0008408, OMIM 181405.
Inborn genetic diseases. Identifiers: MedGen C0950123, MeSH D030342.
Metatropic dysplasia (MTD). Also called: METATROPIC DWARFISM; Metatropic dysplasia, nonlethal dominant; Metatropic Dysplasia, TRPV4-Related. Identifiers: Orphanet 2635, MedGen C0265281, MONDO:0007986, OMIM 156530.
Neuronopathy, distal hereditary motor, autosomal dominant 8. Also called: NEURONOPATHY, DISTAL HEREDITARY MOTOR, TYPE VIII; NEUROPATHY, DISTAL HEREDITARY MOTOR, TYPE VIII; Autosomal dominant congenital benign spinal muscular atrophy; SPINAL MUSCULAR ATROPHY, CONGENITAL BENIGN, WITH CONTRACTURES. Identifiers: Orphanet 1216, MedGen C1838492, MONDO:0010839, OMIM 600175.
Spondylometaphyseal dysplasia, Kozlowski type (SMDK). Also called: Dysmorphism arthrogryposis skeletal maturation advanced; Jequier-Kozlowski syndrome; Skeletal dysplasia Jequier-Kozlowski type; SMD Kozlowski type; Spondylometaphyseal Dysplasia, TRPV4-Related (Kozlowski Type). Identifiers: Orphanet 93314, MedGen C0265280, MONDO:0008477, OMIM 184252.
Brachyrachia (short spine dysplasia) (BCYM3). Also called: Autosomal dominant brachyolmia; BRACHYRACHIA; Brachyolmia Type 3; Brachyolmia, TRPV4-Related. Identifiers: Orphanet 93304, MedGen C0432227, MONDO:0007232, OMIM 113500.

Allele frequency attached by ClinVar (database versions not stated): ExAC 0.00078; 1000 Genomes Project 0.00080; gnomAD exomes 0.00080 and 0.00154; 1000 Genomes Project 30x 0.00094; gnomAD 0.00119 and 0.00121; TOPMed 0.00124; ESP Exome Variant Server 0.00154.
gnomAD v4.1: 2,436 of 1,613,970 alleles (0.15%); highest among the groups gnomAD compares: Non-Finnish European, 0.19%; 7 homozygotes.

Submissions (21):

CeGaT Center for Human Genetics Tuebingen
Classification: Likely benign. Last evaluated: 2026-03-01. Review status: criteria provided, single submitter. Criteria: CeGaT Center For Human Genetics Tuebingen Variant Classification Criteria Version 2. Collection method: clinical testing. Allele origin: germline. Affected: yes. Observed: 9 variant alleles.
Comment: TRPV4: BS1

Labcorp Genetics (formerly Invitae), Labcorp
Classification: Likely benign for Charcot-Marie-Tooth disease axonal type 2C. Last evaluated: 2026-01-16. Review status: criteria provided, single submitter. Criteria: Invitae Variant Classification Sherloc (09022015). Collection method: clinical testing. Allele origin: germline.

Women's Health and Genetics/Laboratory Corporation of America, LabCorp
Classification: Likely benign. Last evaluated: 2025-09-25. Review status: criteria provided, single submitter. Criteria: LabCorp Variant Classification Summary - May 2015. Collection method: clinical testing. Allele origin: germline.

Blueprint Genetics
Classification: Likely benign. Last evaluated: 2024-11-12. Review status: criteria provided, single submitter. Criteria: ACMG Guidelines, 2015. Collection method: clinical testing. Allele origin: germline.

ARUP Laboratories, Molecular Genetics and Genomics, ARUP Laboratories
Classification: Likely benign. Last evaluated: 2024-05-28. Review status: criteria provided, single submitter. Criteria: ARUP Molecular Germline Variant Investigation Process 2024. Collection method: clinical testing. Allele origin: germline.

Athena Diagnostics
Classification: Benign. Last evaluated: 2024-01-19. Review status: criteria provided, single submitter. Criteria: Athena Diagnostics Criteria. Collection method: clinical testing. Allele origin: unknown.

Ambry Genetics
Classification: Likely benign for Inborn genetic diseases. Last evaluated: 2020-08-21. Review status: criteria provided, single submitter. Criteria: Ambry Variant Classification Scheme 2023. Collection method: clinical testing. Allele origin: germline.

GeneDx
Classification: Benign. Last evaluated: 2019-10-11. Review status: criteria provided, single submitter. Criteria: GeneDx Variant Classification Process June 2021. Collection method: clinical testing. Allele origin: germline. Affected: yes.
Comment: This variant is associated with the following publications: (PMID: 22851605, 22689196)

Mayo Clinic Laboratories, Mayo Clinic
Classification: Benign. Last evaluated: 2018-03-23. Review status: criteria provided, single submitter. Criteria: ACMG Guidelines, 2015. Collection method: clinical testing. Allele origin: germline. Observed: 4 variant alleles.

Illumina Laboratory Services, Illumina
Classification: Benign for Metatropic dysplasia. Last evaluated: 2018-01-12. Review status: criteria provided, single submitter. Criteria: ICSL Variant Classification Criteria 13 December 2019. Collection method: clinical testing. Allele origin: germline.
Comment: This variant was observed in the ICSL laboratory as part of a predisposition screen in an ostensibly healthy population. It had not been previously curated by ICSL or reported in the Human Gene Mutation Database (HGMD: prior to June 1st, 2018), and was therefore a candidate for classification through an automated scoring system. Utilizing variant allele frequency, disease prevalence and penetrance estimates, and inheritance mode, an automated score was calculated to assess if this variant is too frequent to cause the disease. Based on the score and internal cut-off values, a variant classified as benign is not then subjected to further curation. The score for this variant resulted in a classification of benign for this disease.

Illumina Laboratory Services, Illumina
Classification: Likely benign for Charcot-Marie-Tooth disease axonal type 2C. Last evaluated: 2018-01-12. Review status: criteria provided, single submitter. Criteria: ICSL Variant Classification Criteria 13 December 2019. Collection method: clinical testing. Allele origin: germline.
Comment: This variant was observed in the ICSL laboratory as part of a predisposition screen in an ostensibly healthy population. It had not been previously curated by ICSL or reported in the Human Gene Mutation Database (HGMD: prior to June 1st, 2018), and was therefore a candidate for classification through an automated scoring system. Utilizing variant allele frequency, disease prevalence and penetrance estimates, and inheritance mode, an automated score was calculated to assess if this variant is too frequent to cause the disease. Based on the score and internal cut-off values, a variant classified as likely benign is not then subjected to further curation. The score for this variant resulted in a classification of likely benign for this disease.

Illumina Laboratory Services, Illumina
Classification: Benign for Spondylometaphyseal dysplasia, Kozlowski type. Last evaluated: 2018-01-12. Review status: criteria provided, single submitter. Criteria: ICSL Variant Classification Criteria 13 December 2019. Collection method: clinical testing. Allele origin: germline.
Comment: the same text as in the submission from Illumina Laboratory Services, Illumina above.

Illumina Laboratory Services, Illumina
Classification: Benign for Brachyrachia (short spine dysplasia). Last evaluated: 2018-01-12. Review status: criteria provided, single submitter. Criteria: ICSL Variant Classification Criteria 13 December 2019. Collection method: clinical testing. Allele origin: germline.
Comment: the same text as in the submission from Illumina Laboratory Services, Illumina above.

Illumina Laboratory Services, Illumina
Classification: Benign for Scapuloperoneal spinal muscular atrophy. Last evaluated: 2018-01-12. Review status: criteria provided, single submitter. Criteria: ICSL Variant Classification Criteria 13 December 2019. Collection method: clinical testing. Allele origin: germline.
Comment: the same text as in the submission from Illumina Laboratory Services, Illumina above.

Illumina Laboratory Services, Illumina
Classification: Benign for Neuronopathy, distal hereditary motor, autosomal dominant 8. Last evaluated: 2018-01-12. Review status: criteria provided, single submitter. Criteria: ICSL Variant Classification Criteria 13 December 2019. Collection method: clinical testing. Allele origin: germline.
Comment: the same text as in the submission from Illumina Laboratory Services, Illumina above.

Eurofins Ntd Llc (ga)
Classification: Likely benign. Last evaluated: 2016-12-15. Review status: criteria provided, single submitter. Criteria: EGL Classification Definitions 2015. Collection method: clinical testing. Allele origin: germline. Observed: 1 variant allele, 1 heterozygote.

Molecular Genetics Laboratory, London Health Sciences Centre
Classification: Likely benign for Charcot-Marie-Tooth disease. Review status: criteria provided, single submitter. Criteria: ACMG Guidelines, 2015. Collection method: clinical testing. Allele origin: germline. Affected: yes.

PreventionGenetics, part of Exact Sciences
Classification: Likely benign for TRPV4-related condition. Last evaluated: 2022-10-17. Review status: no assertion criteria provided. Collection method: clinical testing. Allele origin: germline. Not counted in ClinVar's aggregate classification.
Comment: This variant is classified as likely benign based on ACMG/AMP sequence variant interpretation guidelines (Richards et al. 2015 PMID: 25741868, with internal and published modifications).

Clinical Genetics, Academic Medical Center
Classification: Likely benign. Review status: no assertion criteria provided. Collection method: clinical testing. Allele origin: germline. Affected: yes. Study: VKGL Data-share Consensus. Not counted in ClinVar's aggregate classification.

Genome Diagnostics Laboratory, University Medical Center Utrecht
Classification: Likely benign. Review status: no assertion criteria provided. Collection method: clinical testing. Allele origin: germline. Affected: yes. Study: VKGL Data-share Consensus. Not counted in ClinVar's aggregate classification.

Laboratory of Diagnostic Genome Analysis, Leiden University Medical Center (LUMC)
Classification: Likely benign. Review status: no assertion criteria provided. Collection method: clinical testing. Allele origin: germline. Affected: yes. Study: VKGL Data-share Consensus. Not counted in ClinVar's aggregate classification.

Literature cited by the submitters: PubMed 29212899 (cited by Athena Diagnostics); PubMed 22689196 (cited by Athena Diagnostics); PubMed 22851605 (cited by Athena Diagnostics).